The following is an entry in ClinVar:

ClinVar aggregate classification (germline): Uncertain significance. Review status: criteria provided, single submitter (1 of 4 stars). 2 submissions from 2 submitters: Uncertain significance (1). 1 of the submissions does not count toward it. Last evaluated 2023-08-29.

Conditions:
Ovarian neoplasm. Also called: Neoplasm of ovary; Ovarian tumor; Ovarian Neoplasms. Identifiers: MedGen C0919267, MeSH D010051, MONDO:0021068, HP:0100615.

Submissions (2):

Ophthalmic Genetics Group, Institute of Molecular and Clinical Ophthalmology Basel
Classification: Uncertain significance for Neoplasm of ovary. Last evaluated: 2023-08-29. Review status: criteria provided, single submitter. Criteria: ACMG Guidelines, 2015. Collection method: curation. Allele origin: unknown.
Comment: Clinical significance based on ACMG v2.0

This variant was classified as Uncertain significance based on ACMG criteria: PM2 and BP7 .

Department of Zoology Govt. MVM College
Classification: Likely pathogenic for Neoplasm of ovary. Review status: no assertion criteria provided. Collection method: not provided. Allele origin: unknown. Not counted in ClinVar's aggregate classification.
Comment: KM275487
ClinVar note: Converted during submission from probable-pathogenic to Likely pathogenic.

NC_012920.1(MT-CYB):m.14743A>G

Variant type: single nucleotide variant.
Genome position: chrM-14743-A-G.
Identifiers: ClinVar variation 143864 (VCV000143864.3), dbSNP rs527236161, ClinGen allele CA113778.